The following is an entry in ClinVar:

ClinVar aggregate classification (germline): Uncertain significance (1 of 4 stars; one submission).

Conditions:
Hereditary spastic paraplegia 11. Also called: Nakamura Osame syndrome; Autosomal recessive hereditary spastic paraplegia, mental impairment, and thin corpus callosum; SPASTIC PARAPLEGIA, AUTOSOMAL RECESSIVE, COMPLICATED, WITH THIN CORPUS CALLOSUM; SPASTIC PARAPLEGIA, AUTOSOMAL RECESSIVE, WITH MENTAL IMPAIRMENT AND THIN CORPUS CALLOSUM; Spastic Paraplegia 11; Spastic paraplegia, mental retardation and thin corpus callosum. Identifiers: Orphanet 2822, MedGen C1858479, MONDO:0011445, OMIM 604360.

Allele frequency attached by ClinVar (database versions not stated): gnomAD exomes below 0.00001.

Submission:

GeneDx
Classification: Uncertain significance. Last evaluated: 2020-12-17. Review status: criteria provided, single submitter. Criteria: GeneDx Variant Classification Process June 2021. Collection method: clinical testing. Allele origin: germline. Affected: yes.
Comment: Not observed at a significant frequency in large population cohorts (Lek et al., 2016); In silico analysis supports that this missense variant does not alter protein structure/function; Has not been previously published as pathogenic or benign to our knowledge

NM_025137.4(SPG11):c.4253T>A (p.Met1418Lys)

Genes: SPG11 (SPG11 vesicle trafficking associated, spatacsin; minus strand), LOC130056973 (ATAC-STARR-seq lymphoblastoid active region 9341; plus strand). Cytogenetic location: 15q21.1.
Variant type: single nucleotide variant.
Coding change: c.4253T>A on transcript NM_025137.4 (MANE Select); coding-DNA position 4253, T replaced by A.
Protein change: p.Met1418Lys; replaces methionine 1418 with lysine.
Molecular consequence: missense variant.
Genome position (GRCh38, 1-based): chr15:44,596,264, A>T on the plus strand (T>A on the coding strand, the complement: SPG11 is on the minus strand). VCF-style: chr15-44596264-A-T. GRCh37 (hg19) VCF-style: chr15-44888462-A-T.
Other names: c.4253T>A, p.Met1418Lys (NM_001160227.2); short protein forms M1418K.
Identifiers: ClinVar variation 972946 (VCV000972946.4), dbSNP rs1370792770, ClinGen allele CA392228148.
Genomic context (GRCh38, chr15:44,596,264, plus strand): 5'-ATCTCTTGTTTGCTTCCTTGAAGTTCCTGGGGGCACTTATTGCAGACTTGATCGCTGTCC[A>T]TTTTGGAGGTGGGCACTGAGGGCAAGTTCTCAAAAGCCAGCCTTAAGTGGTCTTGAATGA-3'
Protein context (NP_079413.3, residues 1408-1428): ENLPSVPTSK[Met1418Lys]DSDQVCNKCP